The following is an entry in ClinVar:

ClinVar aggregate classification (germline): Conflicting classifications of pathogenicity. Review status: criteria provided, conflicting classifications (1 of 4 stars). 2 submissions from 2 submitters: Uncertain significance (1); Likely benign (1). Last evaluated 2025-01-14.

Conditions:
Hoyeraal-Hreidarsson syndrome (HHS). Also called: CEREBELLAR HYPOPLASIA WITH PANCYTOPENIA. Identifiers: Orphanet 3322, MedGen C1846142, MONDO:0018045.
Autosomal recessive dyskeratosis congenita. Identifiers: MedGen C3502105.

Allele frequency attached by ClinVar (database versions not stated): ExAC 0.00002; gnomAD exomes 0.00002 and 0.00003; TOPMed 0.00002; gnomAD 0.00003.

Submissions (2):

Ambry Genetics
Classification: Likely benign. Last evaluated: 2025-01-14. Review status: criteria provided, single submitter. Criteria: Ambry Variant Classification Scheme 2023. Collection method: clinical testing. Allele origin: germline.

Labcorp Genetics (formerly Invitae), Labcorp
Classification: Uncertain significance for Hoyeraal-Hreidarsson syndrome; Autosomal recessive dyskeratosis congenita. Last evaluated: 2022-08-09. Review status: criteria provided, single submitter. Criteria: Invitae Variant Classification Sherloc (09022015). Collection method: clinical testing. Allele origin: germline.
Comment: In summary, the available evidence is currently insufficient to determine the role of this variant in disease. Therefore, it has been classified as a Variant of Uncertain Significance. Algorithms developed to predict the effect of missense changes on protein structure and function output the following: SIFT: "Tolerated"; PolyPhen-2: "Benign"; Align-GVGD: "Class C0". The methionine amino acid residue is found in multiple mammalian species, which suggests that this missense change does not adversely affect protein function. ClinVar contains an entry for this variant (Variation ID: 644470). This variant has not been reported in the literature in individuals affected with DCLRE1B-related conditions. This variant is present in population databases (rs749431578, gnomAD 0.02%). This sequence change replaces valine, which is neutral and non-polar, with methionine, which is neutral and non-polar, at codon 316 of the DCLRE1B protein (p.Val316Met).

NM_022836.4(DCLRE1B):c.946G>A (p.Val316Met)

Gene: DCLRE1B (DNA cross-link repair 1B; plus strand). Cytogenetic location: 1p13.2.
Variant type: single nucleotide variant.
Coding change: c.946G>A on transcript NM_022836.4 (MANE Select); coding-DNA position 946, G replaced by A.
Protein change: p.Val316Met; replaces valine 316 with methionine.
Molecular consequence: missense variant.
Genome position (GRCh38, 1-based): chr1:113,911,538, G>A. VCF-style: chr1-113911538-G-A. GRCh37 (hg19) VCF-style: chr1-114454160-G-A.
Other names: c.568G>A, p.Val190Met (NM_001319946.2, NM_001319947.2, NM_001363691.2); c.946G>A, p.Val316Met (NM_001363690.2, LRG_1219t1); short protein forms V190M, V316M.
Identifiers: ClinVar variation 644470 (VCV000644470.9), dbSNP rs749431578, ClinGen allele CA1016498.